The following is an entry in ClinVar:

NM_000057.4(BLM):c.967A>C (p.Lys323Gln)

Gene: BLM (BLM RecQ like helicase; plus strand). Cytogenetic location: 15q26.1.
Variant type: single nucleotide variant.
Coding change: c.967A>C on transcript NM_000057.4 (MANE Select); coding-DNA position 967, A replaced by C.
Protein change: p.Lys323Gln; replaces lysine 323 with glutamine.
Molecular consequence: missense variant. On other transcripts: 5 prime UTR variant (1).
Genome position (GRCh38, 1-based): chr15:90,754,818, A>C. VCF-style: chr15-90754818-A-C. GRCh37 (hg19) VCF-style: chr15-91298048-A-C.
Other names: c.967A>C, p.Lys323Gln (NM_001287246.2, NM_001287247.2); c.-325A>C (NM_001287248.2); short protein forms K323Q.
Identifiers: ClinVar variation 1353801 (VCV001353801.8), dbSNP rs2151152050, ClinGen allele CA393841994.

ClinVar aggregate classification (germline): Uncertain significance (1 of 4 stars; one submission).

Conditions:
Bloom syndrome (BLM). Also called: Bloom-Torre-Machacek syndrome. Identifiers: Orphanet 125, MedGen C0005859, MONDO:0008876, OMIM 210900.

Submission:

Labcorp Genetics (formerly Invitae), Labcorp
Classification: Uncertain significance for Bloom syndrome. Last evaluated: 2021-05-16. Review status: criteria provided, single submitter. Criteria: Invitae Variant Classification Sherloc (09022015). Collection method: clinical testing. Allele origin: germline.
Comment: Algorithms developed to predict the effect of missense changes on protein structure and function output the following: SIFT: "Tolerated"; PolyPhen-2: "Benign"; Align-GVGD: "Class C0". The glutamine amino acid residue is found in multiple mammalian species, suggesting that this missense change does not adversely affect protein function. These predictions have not been confirmed by published functional studies and their clinical significance is uncertain. In summary, the available evidence is currently insufficient to determine the role of this variant in disease. Therefore, it has been classified as a Variant of Uncertain Significance. This variant has not been reported in the literature in individuals with BLM-related conditions. This variant is not present in population databases (ExAC no frequency). This sequence change replaces lysine with glutamine at codon 323 of the BLM protein (p.Lys323Gln). The lysine residue is moderately conserved and there is a small physicochemical difference between lysine and glutamine.